The following is an entry in ClinVar:

NM_033068.3(ACP4):c.974C>A (p.Ala325Asp)

Gene: ACP4 (acid phosphatase 4; plus strand). Cytogenetic location: 19q13.33.
Variant type: single nucleotide variant.
Coding change: c.974C>A on transcript NM_033068.3 (MANE Select); coding-DNA position 974, C replaced by A.
Protein change: p.Ala325Asp; replaces alanine 325 with aspartic acid.
Molecular consequence: missense variant.
Genome position (GRCh38, 1-based): chr19:50,794,569, C>A. VCF-style: chr19-50794569-C-A. GRCh37 (hg19) VCF-style: chr19-51297826-C-A.
Other names: short protein forms A325D.
Identifiers: ClinVar variation 3059901 (VCV003059901.2), dbSNP rs55735528, ClinGen allele CA9603210.

ClinVar aggregate classification (germline): Benign (0 of 4 stars; one submission).

Conditions:
ACP4-related disorder. Also called: ACP4-related condition.

Allele frequency attached by ClinVar (database versions not stated): ESP Exome Variant Server 0.23497; TOPMed 0.24424; gnomAD 0.26129; gnomAD exomes 0.29356; ExAC 0.30412; 1000 Genomes Project 30x 0.31777; 1000 Genomes Project 0.32987.

Submission:

PreventionGenetics, part of Exact Sciences
Classification: Benign for ACP4-related condition. Last evaluated: 2019-10-17. Review status: no assertion criteria provided. Collection method: clinical testing. Allele origin: germline.
Comment: This variant is classified as benign based on ACMG/AMP sequence variant interpretation guidelines (Richards et al. 2015 PMID: 25741868, with internal and published modifications).